The following is an entry in ClinVar:

ClinVar aggregate classification (germline): Uncertain significance. Review status: criteria provided, multiple submitters, no conflicts (2 of 4 stars). 4 submissions from 4 submitters: Uncertain significance (4). Last evaluated 2025-07-08.

Conditions:
SCN4A-related disorder. Also called: SCN4A-related disorders.
Skeletal myopathy. Also called: Skeletal muscle disease; Skeletal muscle disorder. Identifiers: Orphanet 98472, MedGen C1533847, MONDO:0020120, HP:0003756.
Hyperkalemic periodic paralysis. Also called: Familial hyperkalemic periodic paralysis; Gamstorp disease. Identifiers: Orphanet 682, MedGen C0238357, MONDO:0008224, OMIM 170500, HP:0007215.

Allele frequency attached by ClinVar (database versions not stated): ExAC 0.00001; gnomAD exomes 0.00001; gnomAD 0.00002; TOPMed 0.00002.
gnomAD v4.1: 14 of 1,613,960 alleles (0.00087%); highest among the groups gnomAD compares: South Asian, 0.0055%; no homozygotes.

Submissions (4):

PreventionGenetics, part of Exact Sciences
Classification: Uncertain significance for SCN4A-related condition. Last evaluated: 2025-07-08. Review status: criteria provided, single submitter. Criteria: ACMG Guidelines, 2015. Collection method: clinical testing. Allele origin: germline.
Comment: The SCN4A c.4805A>G variant is predicted to result in the amino acid substitution p.Asn1602Ser. To our knowledge, this variant has not been reported in the literature. This variant is reported in 0.0041% of alleles in individuals of African descent in gnomAD. At this time, the clinical significance of this variant is uncertain due to the absence of conclusive functional and genetic evidence.

Labcorp Genetics (formerly Invitae), Labcorp
Classification: Uncertain significance for Hyperkalemic periodic paralysis. Last evaluated: 2025-02-10. Review status: criteria provided, single submitter. Criteria: Invitae Variant Classification Sherloc (09022015). Collection method: clinical testing. Allele origin: germline.
Comment: This sequence change replaces asparagine, which is neutral and polar, with serine, which is neutral and polar, at codon 1602 of the SCN4A protein (p.Asn1602Ser). This variant is present in population databases (rs756174308, gnomAD 0.004%). This variant has not been reported in the literature in individuals affected with SCN4A-related conditions. ClinVar contains an entry for this variant (Variation ID: 949242). Invitae Evidence Modeling of protein sequence and biophysical properties (such as structural, functional, and spatial information, amino acid conservation, physicochemical variation, residue mobility, and thermodynamic stability) indicates that this missense variant is not expected to disrupt SCN4A protein function with a negative predictive value of 95%. In summary, the available evidence is currently insufficient to determine the role of this variant in disease. Therefore, it has been classified as a Variant of Uncertain Significance.

Cambridge Genomics Laboratory, East Genomic Laboratory Hub, NHS Genomic Medicine Service
Classification: Uncertain significance for Skeletal myopathy. Last evaluated: 2020-04-21. Review status: criteria provided, single submitter. Criteria: ACGS Best Practice Guidelines for Variant Classification in Rare Disease 2020. Collection method: clinical testing. Allele origin: germline. Affected: yes. Observed: 1 variant allele.

Revvity Omics, Revvity
Classification: Uncertain significance. Last evaluated: 2019-04-23. Review status: criteria provided, single submitter. Criteria: ACMG Guidelines, 2015. Collection method: clinical testing. Allele origin: germline.

NM_000334.4(SCN4A):c.4805A>G (p.Asn1602Ser)

Genes: GH-LCR (growth hormone locus control region; plus strand), SCN4A (sodium voltage-gated channel alpha subunit 4; minus strand). Cytogenetic location: 17q23.3.
Variant type: single nucleotide variant.
Coding change: c.4805A>G on transcript NM_000334.4 (MANE Select); coding-DNA position 4805, A replaced by G.
Protein change: p.Asn1602Ser; replaces asparagine 1602 with serine.
Molecular consequence: missense variant.
Genome position (GRCh38, 1-based): chr17:63,941,477, T>C on the plus strand (A>G on the coding strand, the complement: SCN4A is on the minus strand). VCF-style: chr17-63941477-T-C. GRCh37 (hg19) VCF-style: chr17-62018837-T-C.
Other names: short protein forms N1602S.
Identifiers: ClinVar variation 949242 (VCV000949242.11), dbSNP rs756174308, ClinGen allele CA8708900.